The following is an entry in ClinVar:

NM_007294.4(BRCA1):c.4535G>T (p.Ser1512Ile)

Gene: BRCA1 (BRCA1 DNA repair associated; minus strand). Cytogenetic location: 17q21.31.
Variant type: single nucleotide variant.
Coding change: c.4535G>T on transcript NM_007294.4 (MANE Select); coding-DNA position 4535, G replaced by T.
Protein change: p.Ser1512Ile; replaces serine 1512 with isoleucine.
Molecular consequence: missense variant. On other transcripts: non-coding transcript variant (1).
Genome position (GRCh38, 1-based): chr17:43,074,471, C>A on the plus strand (G>T on the coding strand, the complement: BRCA1 is on the minus strand). VCF-style: chr17-43074471-C-A. GRCh37 (hg19) VCF-style: chr17-41226488-C-A.
Other names: NP_009225.1:p.Ser1512Ile; 4654G>T; c.1103G>T, p.Ser368Ile (NM_001408430.1, NM_001408431.1, NM_001408426.1 and 4 more transcripts); c.1100G>T, p.Ser367Ile (NM_001408432.1, NM_001408433.1, NM_001408434.1 and 10 more transcripts); c.1097G>T, p.Ser366Ile (NM_001408445.1, NM_001408446.1, NM_001408447.1 and 2 more transcripts); c.1091G>T, p.Ser364Ile (NM_001408451.1); c.1085G>T, p.Ser362Ile (NM_001408452.1, NM_001408453.1, NM_001408454.1 and 3 more transcripts); c.1082G>T, p.Ser361Ile (NM_001408465.1, NM_001408466.1, NM_001408467.1 and 7 more transcripts); and 70 more; short protein forms S1512I, S408I, S1533I, S1465I, S1343I, S1385I, S1441I, S1442I.
Identifiers: ClinVar variation 41826 (VCV000041826.127), dbSNP rs1800744, ClinGen allele CA002898.

ClinVar aggregate classification (germline): Benign. Review status: reviewed by expert panel (3 of 4 stars). 43 submissions from 43 submitters: Benign (1). 42 of the submissions do not count toward it. Last evaluated 2015-08-10.

Conditions:
Pancreatic cancer, susceptibility to, 4. Identifiers: Orphanet 1333, MedGen C3280442, MONDO:0013685, OMIM 614320.
Familial cancer of breast. Also called: Hereditary breast cancer; hereditary breast carcinoma; BREAST CANCER, FAMILIAL. Identifiers: Orphanet 227535, MedGen C0346153, MONDO:0016419, OMIM 114480. Disease mechanism: loss of function.
Breast-ovarian cancer, familial, susceptibility to, 1 (BROVCA1). Also called: BRCA1 Hereditary Breast and Ovarian Cancer; OVARIAN CANCER, SUSCEPTIBILITY TO. Identifiers: Orphanet 145, MedGen C2676676, MONDO:0011450, OMIM 604370. Disease mechanism: loss of function.
Fanconi anemia, complementation group S (FANCS). Identifiers: MedGen C4554406, MONDO:0054748, OMIM 617883.
Inherited breast cancer and ovarian cancer.
BRCA1-related cancer predisposition. Identifiers: MedGen CN377757, MONDO:0700268.
Hereditary cancer-predisposing syndrome. Also called: Neoplastic Syndromes, Hereditary; Hereditary neoplastic syndrome; Hereditary Cancer Syndrome; Tumor predisposition. Identifiers: Orphanet 140162, MedGen C0027672, MeSH D009386, MONDO:0015356.
Hereditary breast ovarian cancer syndrome. Also called: Hereditary breast and ovarian cancer syndrome (HBOC); Breast and ovarian cancer; BRCA1- and BRCA2-Associated Hereditary Breast and Ovarian Cancer; Hereditary breast and ovarian cancer syndrome; Hereditary breast and ovarian cancer; Hereditary breast and/or ovarian cancer syndrome. Identifiers: Orphanet 145, MedGen C0677776, MeSH D061325, MONDO:0003582. Disease mechanism: loss of function.

Allele frequency attached by ClinVar (database versions not stated): ExAC 0.00215; gnomAD 0.00227 and 0.00240; gnomAD exomes 0.00237 and 0.00318; ESP Exome Variant Server 0.00277; TOPMed 0.00241; 1000 Genomes Project 30x 0.00078; 1000 Genomes Project 0.00060.
gnomAD v4.1: 4,969 of 1,614,128 alleles (0.31%); highest among the groups gnomAD compares: Non-Finnish European, 0.37%; 17 homozygotes.

Submissions 1 to 19 of 43:

Evidence-based Network for the Interpretation of Germline Mutant Alleles (ENIGMA)
Classification: Benign for Breast-ovarian cancer, familial 1. Last evaluated: 2015-08-10. Review status: reviewed by expert panel. Criteria: ENIGMA BRCA1/2 Classification Criteria (2015). Collection method: curation. Allele origin: germline.
Comment: IARC class based on posterior probability from multifactorial likelihood analysis, thresholds for class as per Plon et al. 2008 (PMID: 18951446). Class 1 based on posterior probability = 0.00000000000309

CeGaT Center for Human Genetics Tuebingen
Classification: Likely benign. Last evaluated: 2026-09-01. Review status: criteria provided, single submitter. Criteria: CeGaT Center For Human Genetics Tuebingen Variant Classification Criteria Version 2. Collection method: clinical testing. Allele origin: germline. Affected: yes. Observed: 47 variant alleles. Not counted in ClinVar's aggregate classification.
Comment: BRCA1: BS2

Labcorp Genetics (formerly Invitae), Labcorp
Classification: Benign for Hereditary breast ovarian cancer syndrome. Last evaluated: 2026-02-04. Review status: criteria provided, single submitter. Criteria: Invitae Variant Classification Sherloc (09022015). Collection method: clinical testing. Allele origin: germline. Not counted in ClinVar's aggregate classification.

Cambridge Genomics Laboratory, East Genomic Laboratory Hub, NHS Genomic Medicine Service
Classification: Benign for Inherited breast cancer and ovarian cancer. Last evaluated: 2026-01-12. Review status: criteria provided, single submitter. Criteria: ACGS Best Practice Guidelines for Variant Classification in Rare Disease 2020. Collection method: clinical testing. Allele origin: germline. Affected: yes. Not counted in ClinVar's aggregate classification.
Comment: BS3

Laboratorio de I+D, Fundación Centro Médico de Asturias
Classification: Benign for Hereditary cancer-predisposing syndrome. Last evaluated: 2025-07-09. Review status: criteria provided, single submitter. Criteria: ACMG Guidelines, 2015. Collection method: clinical testing. Allele origin: germline. Not counted in ClinVar's aggregate classification.
Comment: BS1+BS2+BP4_Moderate+BP1

ARUP Laboratories, Molecular Genetics and Genomics, ARUP Laboratories
Classification: Benign. Last evaluated: 2025-07-08. Review status: criteria provided, single submitter. Criteria: ARUP Molecular Germline Variant Investigation Process 2024. Collection method: clinical testing. Allele origin: germline. Not counted in ClinVar's aggregate classification.

Center for Genomic Medicine, Rigshospitalet, Copenhagen University Hospital
Classification: Benign. Last evaluated: 2025-03-04. Review status: criteria provided, single submitter. Criteria: ACMG Guidelines, 2015. Collection method: clinical testing. Allele origin: germline. Not counted in ClinVar's aggregate classification.

Blueprint Genetics
Classification: Likely benign. Last evaluated: 2024-11-23. Review status: criteria provided, single submitter. Criteria: ACMG Guidelines, 2015. Collection method: clinical testing. Allele origin: germline. Not counted in ClinVar's aggregate classification.

All of Us Research Program, National Institutes of Health
Classification: Likely benign for BRCA1-related cancer predisposition. Last evaluated: 2024-09-27. Review status: criteria provided, single submitter. Criteria: ACMG Guidelines, 2015. Collection method: clinical testing. Allele origin: germline. Inheritance: Autosomal dominant inheritance. Observed: 902 variant alleles, 900 heterozygotes, 2 homozygotes. Not counted in ClinVar's aggregate classification.
Comment: This study involves interpretation of variants in research participants for the purpose of population health screening. Participant phenotype was not available at the time of variant classification. Additional details can be found in publication PMID: 35346344, PMCID: PMC8962531

KCCC/NGS Laboratory, Kuwait Cancer Control Center
Classification: Benign for Breast-ovarian cancer, familial, susceptibility to, 1. Last evaluated: 2023-07-07. Review status: criteria provided, single submitter. Criteria: ACMG Guidelines, 2015. Collection method: clinical testing. Allele origin: germline. Affected: yes. Not counted in ClinVar's aggregate classification.

National Health Laboratory Service, Universitas Academic Hospital and University of the Free State
Classification: Benign for Hereditary breast ovarian cancer syndrome. Last evaluated: 2022-04-19. Review status: criteria provided, single submitter. Criteria: ACMG Guidelines, 2015. Collection method: clinical testing. Allele origin: germline. Affected: yes. Observed: 3 variant alleles. Not counted in ClinVar's aggregate classification.

Fulgent Genetics
Classification: Benign for Familial cancer of breast; Breast-ovarian cancer, familial, susceptibility to, 1; Pancreatic cancer, susceptibility to, 4; Fanconi anemia, complementation group S. Last evaluated: 2021-12-23. Review status: criteria provided, single submitter. Criteria: ACMG Guidelines, 2015. Collection method: clinical testing. Allele origin: unknown. Not counted in ClinVar's aggregate classification.

Genetics Program, Instituto Nacional de Cancer
Classification: Likely benign for Hereditary breast ovarian cancer syndrome. Last evaluated: 2021-11-01. Review status: criteria provided, single submitter. Criteria: ACMG Guidelines, 2015. Collection method: research. Allele origin: germline. Affected: yes. Not counted in ClinVar's aggregate classification.

Quest Diagnostics Nichols Institute San Juan Capistrano
Classification: Benign. Last evaluated: 2020-06-15. Review status: criteria provided, single submitter. Criteria: Quest Diagnostics criteria. Collection method: clinical testing. Allele origin: unknown. Not counted in ClinVar's aggregate classification.

Sema4
Classification: Benign for Hereditary cancer-predisposing syndrome. Last evaluated: 2020-05-20. Review status: criteria provided, single submitter. Criteria: Sema4 Curation Guidelines. Collection method: curation. Allele origin: germline. Not counted in ClinVar's aggregate classification.

Mendelics
Classification: Likely benign for Breast-ovarian cancer, familial, susceptibility to, 1. Last evaluated: 2019-05-28. Review status: criteria provided, single submitter. Criteria: Mendelics Assertion Criteria 2017. Collection method: clinical testing. Allele origin: unknown. Not counted in ClinVar's aggregate classification.

Illumina Laboratory Services, Illumina
Classification: Benign for Breast-ovarian cancer, familial, susceptibility to, 1. Last evaluated: 2018-08-07. Review status: criteria provided, single submitter. Criteria: ICSL Variant Classification Criteria 13 December 2019. Collection method: clinical testing. Allele origin: germline. Not counted in ClinVar's aggregate classification.
Comment: This variant was observed as part of a predisposition screen in an ostensibly healthy population. A literature search was performed for the gene, cDNA change, and amino acid change (where applicable). Publications were found based on this search. The evidence from the literature, in combination with allele frequency data from public databases where available, was sufficient to rule this variant out of causing disease. Therefore, this variant is classified as benign.

Cancer Genetics and Genomics Laboratory, British Columbia Cancer Agency
Classification: Benign. Last evaluated: 2017-04-18. Review status: criteria provided, single submitter. Criteria: ACMG Guidelines, 2015. Collection method: clinical testing. Allele origin: germline. Study: The Canadian Open Genetics Repository (COGR). Not counted in ClinVar's aggregate classification.

Genetic Services Laboratory, University of Chicago
Classification: Benign. Last evaluated: 2016-12-09. Review status: criteria provided, single submitter. Criteria: ACMG Guidelines, 2015. Collection method: clinical testing. Allele origin: germline. Affected: no. Not counted in ClinVar's aggregate classification.